The following is an entry in ClinVar:

ClinVar aggregate classification (germline): Uncertain significance (1 of 4 stars; one submission).

Allele frequency attached by ClinVar (database versions not stated): TOPMed below 0.00001; ExAC 0.00001; gnomAD 0.00001.
gnomAD v4.1: 8 of 1,606,608 alleles (0.0005%); highest among the groups gnomAD compares: African/African-American, 0.0013%; no homozygotes.

Submission:

Labcorp Genetics (formerly Invitae), Labcorp
Classification: Uncertain significance. Last evaluated: 2023-04-20. Review status: criteria provided, single submitter. Criteria: Invitae Variant Classification Sherloc (09022015). Collection method: clinical testing. Allele origin: germline.
Comment: This sequence change replaces arginine, which is basic and polar, with cysteine, which is neutral and slightly polar, at codon 453 of the BRD4 protein (p.Arg453Cys). In summary, the available evidence is currently insufficient to determine the role of this variant in disease. Therefore, it has been classified as a Variant of Uncertain Significance. Advanced modeling of protein sequence and biophysical properties (such as structural, functional, and spatial information, amino acid conservation, physicochemical variation, residue mobility, and thermodynamic stability) has been performed at Invitae for this missense variant, however the output from this modeling did not meet the statistical confidence thresholds required to predict the impact of this variant on BRD4 protein function. This variant has not been reported in the literature in individuals affected with BRD4-related conditions. The frequency data for this variant in the population databases is considered unreliable, as metrics indicate poor data quality at this position in the gnomAD database.

NM_001379291.1(BRD4):c.1357C>T (p.Arg453Cys)

Gene: BRD4 (bromodomain containing 4; minus strand). Cytogenetic location: 19p13.12.
Variant type: single nucleotide variant.
Coding change: c.1357C>T on transcript NM_001379291.1 (MANE Select); coding-DNA position 1357, C replaced by T.
Protein change: p.Arg453Cys; replaces arginine 453 with cysteine.
Molecular consequence: missense variant.
Genome position (GRCh38, 1-based): chr19:15,257,158, G>A on the plus strand (C>T on the coding strand, the complement: BRD4 is on the minus strand). VCF-style: chr19-15257158-G-A. GRCh37 (hg19) VCF-style: chr19-15367969-G-A.
Other names: c.1357C>T, p.Arg453Cys (NM_001330384.2, NM_001379292.1, NM_014299.3 and 1 more transcripts); short protein forms R453C.
Identifiers: ClinVar variation 2872238 (VCV002872238.3), dbSNP rs759001252, ClinGen allele CA9265383.
Genomic context (GRCh38, chr19:15,257,158, plus strand): 5'-CTGCCGGGGAGGACACGGCCACCACTGGCTCCTCAGGCTCGTCCGGCATCTTGGCAAAGC[G>A]CATTTCGAACACATCCTGGTGAGGGAAAGACATGCTGTGACGGCTGCTGGGTACCCAGGC-3'
Protein context (NP_001366220.1, residues 443-463): ARKLQDVFEM[Arg453Cys]FAKMPDEPEE